The following is an entry in ClinVar:

NM_013382.7(POMT2):c.1700C>T (p.Pro567Leu)

Gene: POMT2 (protein O-mannosyltransferase 2; minus strand). Cytogenetic location: 14q24.3.
Variant type: single nucleotide variant.
Coding change: c.1700C>T on transcript NM_013382.7 (MANE Select); coding-DNA position 1700, C replaced by T.
Protein change: p.Pro567Leu; replaces proline 567 with leucine.
Molecular consequence: missense variant.
Genome position (GRCh38, 1-based): chr14:77,280,417, G>A on the plus strand (C>T on the coding strand, the complement: POMT2 is on the minus strand). VCF-style: chr14-77280417-G-A. GRCh37 (hg19) VCF-style: chr14-77746760-G-A.
Other names: c.1700C>T (NM_013382.5); short protein forms P567L.
Identifiers: ClinVar variation 1435442 (VCV001435442.4), dbSNP rs376689848, ClinGen allele CA7285756.

ClinVar aggregate classification (germline): Uncertain significance. Review status: criteria provided, multiple submitters, no conflicts (2 of 4 stars). 2 submissions from 2 submitters: Uncertain significance (2). Last evaluated 2025-10-22.

Conditions:
Muscular dystrophy-dystroglycanopathy (congenital with brain and eye anomalies), type A2. Also called: MUSCULAR DYSTROPHY-DYSTROGLYCANOPATHY (CONGENITAL WITH BRAIN AND EYE ANOMALIES), TYPE A, 2; WALKER-WARBURG SYNDROME OR MUSCLE-EYE-BRAIN DISEASE, POMT2-RELATED. Identifiers: Orphanet 588, Orphanet 899, MedGen C3150411, MONDO:0013154, OMIM 613150.
Autosomal recessive limb-girdle muscular dystrophy type 2N. Also called: MUSCULAR DYSTROPHY-DYSTROGLYCANOPATHY, LIMB-GIRDLE, POMT2-RELATED; Muscular dystrophy-dystroglycanopathy (limb-girdle), type C, 2. Identifiers: Orphanet 206559, MedGen C3150418, MONDO:0013162, OMIM 613158.
Muscular dystrophy-dystroglycanopathy (congenital with impaired intellectual development), type B, 2. Also called: MUSCULAR DYSTROPHY, CONGENITAL, POMT2-RELATED; Muscular dystrophy-dystroglycanopathy (congenital with intellectual disability), type B2. Identifiers: MedGen C3150416, MONDO:0013160, OMIM 613156.
Inborn genetic diseases. Identifiers: MedGen C0950123, MeSH D030342.

Allele frequency attached by ClinVar (database versions not stated): ESP Exome Variant Server 0.00015; gnomAD exomes below 0.00001 and 0.00002; TOPMed 0.00005; ExAC 0.00002; gnomAD 0.00004 and 0.00003.
gnomAD v4.1: 7 of 1,614,050 alleles (0.00043%); highest among the groups gnomAD compares: African/African-American, 0.0093%; no homozygotes.

Submissions (2):

Ambry Genetics
Classification: Uncertain significance for Inborn genetic diseases. Last evaluated: 2025-10-22. Review status: criteria provided, single submitter. Criteria: Ambry Variant Classification Scheme 2023. Collection method: clinical testing. Allele origin: germline.

Labcorp Genetics (formerly Invitae), Labcorp
Classification: Uncertain significance for Muscular dystrophy-dystroglycanopathy (congenital with impaired intellectual development), type B, 2; Muscular dystrophy-dystroglycanopathy (congenital with brain and eye anomalies), type A2; Autosomal recessive limb-girdle muscular dystrophy type 2N. Last evaluated: 2022-07-12. Review status: criteria provided, single submitter. Criteria: Invitae Variant Classification Sherloc (09022015). Collection method: clinical testing. Allele origin: germline.
Comment: This sequence change replaces proline, which is neutral and non-polar, with leucine, which is neutral and non-polar, at codon 567 of the POMT2 protein (p.Pro567Leu). This variant is present in population databases (rs376689848, gnomAD 0.02%). This variant has not been reported in the literature in individuals affected with POMT2-related conditions. ClinVar contains an entry for this variant (Variation ID: 1435442). Algorithms developed to predict the effect of missense changes on protein structure and function are either unavailable or do not agree on the potential impact of this missense change (SIFT: "Deleterious"; PolyPhen-2: "Possibly Damaging"; Align-GVGD: "Class C15"). In summary, the available evidence is currently insufficient to determine the role of this variant in disease. Therefore, it has been classified as a Variant of Uncertain Significance.